The following is an entry in ClinVar:

NM_001270508.2(TNFAIP3):c.1777C>T (p.Gln593Ter)

Gene: TNFAIP3 (TNF alpha induced protein 3; plus strand). Cytogenetic location: 6q23.3.
Variant type: single nucleotide variant.
Coding change: c.1777C>T on transcript NM_001270508.2 (MANE Select); coding-DNA position 1777, C replaced by T.
Protein change: p.Gln593Ter; replaces glutamine 593 with a stop codon.
Molecular consequence: nonsense.
Genome position (GRCh38, 1-based): chr6:137,879,222, C>T. VCF-style: chr6-137879222-C-T. GRCh37 (hg19) VCF-style: chr6-138200359-C-T.
Other names: c.1777C>T, p.Gln593Ter (NM_001270507.2, NM_006290.4); short protein forms Q593*.
Identifiers: ClinVar variation 3257891 (VCV003257891.3).

ClinVar aggregate classification (germline): Pathogenic (1 of 4 stars; one submission).
ClinVar aggregate classification (oncogenicity): Likely oncogenic (1 of 4 stars; one submission).

Conditions:
Autoinflammatory syndrome, familial, Behcet-like 1 (AIFBL1). Also called: Haploinsufficiency of A20. Identifiers: Orphanet 674762, MedGen C4225218, MONDO:0800045, OMIM 616744.
Neoplasm. Also called: Neoplasms; Neoplasm (disease); tumor. Identifiers: MedGen C0027651, MeSH D009369, MONDO:0005070, HP:0002664.

Submissions (2):

3billion
Classification: Pathogenic for Autoinflammatory syndrome, familial, Behcet-like 1. Last evaluated: 2025-04-16. Review status: criteria provided, single submitter. Criteria: ACMG Guidelines, 2015. Collection method: clinical testing. Allele origin: germline. Affected: yes.
Comment: The variant is not observed in the gnomAD v4.1.0 dataset. Predicted Consequence/Location: Stop-gained (nonsense): predicted to result in a loss or disruption of normal protein function through nonsense-mediated decay (NMD) or protein truncation. Multiple pathogenic variants are reported downstream of the variant. The variant has been previously reported as de novo in a similarly affected individual (PMID: 33679772). The variant has been reported to be associated with TNFAIP3-related disorder (PMID: 33679772). Therefore, this variant is classified as Pathogenic according to the recommendation of ACMG/AMP guideline.

Center for Genomic Medicine, Rigshospitalet, Copenhagen University Hospital
Classification: Likely oncogenic for Neoplasm. Last evaluated: 2025-03-04. Review status: criteria provided, single submitter. Criteria: ClinGen/CGC/VICC Guidelines for Oncogenicity, 2022. Collection method: clinical testing. Allele origin: somatic. Affected: yes.

Literature cited by the submitters: PubMed 33679772 (cited by 3billion); PubMed 23134590 (cited by Center for Genomic Medicine, Rigshospitalet, Copenhagen University Hospital); PubMed 32012328 (cited by Center for Genomic Medicine, Rigshospitalet, Copenhagen University Hospital).